The following is an entry in ClinVar:

ClinVar aggregate classification (germline): Likely benign (1 of 4 stars; one submission).

Submission:

CeGaT Center for Human Genetics Tuebingen
Classification: Likely benign. Last evaluated: 2025-03-01. Review status: criteria provided, single submitter. Criteria: CeGaT Center For Human Genetics Tuebingen Variant Classification Criteria Version 2. Collection method: clinical testing. Allele origin: germline. Affected: yes. Observed: 4 variant alleles.
Comment: BRD4: BP4, BP7

NM_001379291.1(BRD4):c.2280T>C (p.Pro760=)

Gene: BRD4 (bromodomain containing 4; minus strand). Cytogenetic location: 19p13.12.
Variant type: single nucleotide variant.
Coding change: c.2280T>C on transcript NM_001379291.1 (MANE Select); coding-DNA position 2280, T replaced by C.
Protein change: p.Pro760=; no amino-acid change (proline 760 retained).
Molecular consequence: synonymous variant.
Genome position (GRCh38, 1-based): chr19:15,244,532, A>G on the plus strand (T>C on the coding strand, the complement: BRD4 is on the minus strand). VCF-style: chr19-15244532-A-G. GRCh37 (hg19) VCF-style: chr19-15355343-A-G.
Other names: c.2280T>C, p.Pro760= (NM_058243.3).
Identifiers: ClinVar variation 2649455 (VCV002649455.24), dbSNP rs938783965, ClinGen allele CA305790733.